The following is an entry in ClinVar:

NM_017654.4(SAMD9):c.1297G>C (p.Glu433Gln)

Gene: SAMD9 (sterile alpha motif domain containing 9; minus strand). Cytogenetic location: 7q21.2.
Variant type: single nucleotide variant.
Coding change: c.1297G>C on transcript NM_017654.4 (MANE Select); coding-DNA position 1297, G replaced by C.
Protein change: p.Glu433Gln; replaces glutamic acid 433 with glutamine.
Molecular consequence: missense variant.
Genome position (GRCh38, 1-based): chr7:93,104,801, C>G on the plus strand (G>C on the coding strand, the complement: SAMD9 is on the minus strand). VCF-style: chr7-93104801-C-G. GRCh37 (hg19) VCF-style: chr7-92734114-C-G.
Other names: c.1297G>C, p.Glu433Gln (NM_001193307.2); short protein forms E433Q.
Identifiers: ClinVar variation 3949587 (VCV003949587.1).

ClinVar aggregate classification (germline): Uncertain significance (1 of 4 stars; one submission).

Conditions:
Inborn genetic diseases. Identifiers: MedGen C0950123, MeSH D030342.

Submission:

Ambry Genetics
Classification: Uncertain significance for Inborn genetic diseases. Last evaluated: 2025-04-25. Review status: criteria provided, single submitter. Criteria: Ambry Variant Classification Scheme 2023. Collection method: clinical testing. Allele origin: germline.
Comment: The p.E433Q variant (also known as c.1297G>C), located in coding exon 1 of the SAMD9 gene, results from a G to C substitution at nucleotide position 1297. The glutamic acid at codon 433 is replaced by glutamine, an amino acid with highly similar properties. This amino acid position is conserved. In addition, this alteration is predicted to be tolerated by in silico analysis. Based on the available evidence, the clinical significance of this variant remains unclear.